The following is an entry in ClinVar:

NM_198578.4(LRRK2):c.7265A>G (p.Asn2422Ser)

Gene: LRRK2 (leucine rich repeat kinase 2; plus strand). Cytogenetic location: 12q12.
Variant type: single nucleotide variant.
Coding change: c.7265A>G on transcript NM_198578.4 (MANE Select); coding-DNA position 7265, A replaced by G.
Protein change: p.Asn2422Ser; replaces asparagine 2422 with serine.
Molecular consequence: missense variant.
Genome position (GRCh38, 1-based): chr12:40,364,925, A>G. VCF-style: chr12-40364925-A-G. GRCh37 (hg19) VCF-style: chr12-40758727-A-G.
Other names: short protein forms N2422S.
Identifiers: ClinVar variation 2489963 (VCV002489963.4), dbSNP rs1946830748, ClinGen allele CA384414892.

ClinVar aggregate classification (germline): Uncertain significance. Review status: criteria provided, multiple submitters, no conflicts (2 of 4 stars). 2 submissions from 2 submitters: Uncertain significance (2). Last evaluated 2024-04-10.

Conditions:
Inborn genetic diseases. Identifiers: MedGen C0950123, MeSH D030342.
Autosomal dominant Parkinson disease 8. Also called: Parkinson disease 8, susceptibility to; LRRK2-Related Parkinson Disease; Parkinson disease 8. Identifiers: Orphanet 411602, MedGen C1846862, MONDO:0011764, OMIM 607060.

Allele frequency attached by ClinVar (database versions not stated): TOPMed 0.00001.

Submissions (2):

Labcorp Genetics (formerly Invitae), Labcorp
Classification: Uncertain significance for Autosomal dominant Parkinson disease 8. Last evaluated: 2024-04-10. Review status: criteria provided, single submitter. Criteria: Invitae Variant Classification Sherloc (09022015). Collection method: clinical testing. Allele origin: germline.
Comment: This sequence change replaces asparagine, which is neutral and polar, with serine, which is neutral and polar, at codon 2422 of the LRRK2 protein (p.Asn2422Ser). This variant is not present in population databases (gnomAD no frequency). This variant has not been reported in the literature in individuals affected with LRRK2-related conditions. ClinVar contains an entry for this variant (Variation ID: 2489963). Advanced modeling of protein sequence and biophysical properties (such as structural, functional, and spatial information, amino acid conservation, physicochemical variation, residue mobility, and thermodynamic stability) has been performed at Invitae for this missense variant, however the output from this modeling did not meet the statistical confidence thresholds required to predict the impact of this variant on LRRK2 protein function. In summary, the available evidence is currently insufficient to determine the role of this variant in disease. Therefore, it has been classified as a Variant of Uncertain Significance.

Ambry Genetics
Classification: Uncertain significance for Inborn genetic diseases. Last evaluated: 2022-12-15. Review status: criteria provided, single submitter. Criteria: Ambry Variant Classification Scheme 2023. Collection method: clinical testing. Allele origin: germline.
Comment: The p.N2422S variant (also known as c.7265A>G), located in coding exon 49 of the LRRK2 gene, results from an A to G substitution at nucleotide position 7265. The asparagine at codon 2422 is replaced by serine, an amino acid with highly similar properties. This amino acid position is conserved. In addition, this alteration is predicted to be tolerated by in silico analysis. Since supporting evidence is limited at this time, the clinical significance of this alteration remains unclear.